The following is an entry in ClinVar:

NM_004713.6(NEMF):c.3019A>G (p.Thr1007Ala)

Genes: KLHDC2 (kelch domain containing 2; plus strand), NEMF (nuclear export mediator factor; minus strand). Cytogenetic location: 14q21.3.
Variant type: single nucleotide variant.
Coding change: c.3019A>G on transcript NM_004713.6 (MANE Select); coding-DNA position 3019, A replaced by G.
Protein change: p.Thr1007Ala; replaces threonine 1007 with alanine.
Molecular consequence: missense variant. On other transcripts: 3 prime UTR variant (1).
Genome position (GRCh38, 1-based): chr14:49,785,230, T>C on the plus strand (A>G on the coding strand, the complement: NEMF is on the minus strand). VCF-style: chr14-49785230-T-C. GRCh37 (hg19) VCF-style: chr14-50251948-T-C.
Other names: c.*2277T>C (NM_014315.3); c.2956A>G, p.Thr986Ala (NM_001301732.3); short protein forms T1007A, T986A.
Identifiers: ClinVar variation 3774102 (VCV003774102.1).

ClinVar aggregate classification (germline): Uncertain significance (1 of 4 stars; one submission).

gnomAD v4.1: 54 of 1,613,236 alleles (0.0033%); highest among the groups gnomAD compares: Non-Finnish European, 0.0044%; no homozygotes.

Submission:

GeneDx
Classification: Uncertain significance. Last evaluated: 2024-09-19. Review status: criteria provided, single submitter. Criteria: GeneDx Variant Classification Process June 2021. Collection method: clinical testing. Allele origin: germline. Affected: yes.
Comment: In silico analysis indicates that this missense variant does not alter protein structure/function; Has not been previously published as pathogenic or benign to our knowledge